The following is an entry in ClinVar:

NM_000975.5(RPL11):c.6+50G>T

Genes: RPL11 (ribosomal protein L11; plus strand), LOC129929673 (ATAC-STARR-seq lymphoblastoid active region 374; plus strand). Cytogenetic location: 1p36.11.
Variant type: single nucleotide variant.
Coding change: c.6+50G>T on transcript NM_000975.5 (MANE Select); 50 bases into the intron after coding-DNA position 6, G replaced by T.
Molecular consequence: intron variant.
Genome position (GRCh38, 1-based): chr1:23,691,879, G>T. VCF-style: chr1-23691879-G-T. GRCh37 (hg19) VCF-style: chr1-24018369-G-T.
Other names: c.6+50G>T (LRG_1140t1, NM_001199802.1).
Identifiers: ClinVar variation 379217 (VCV000379217.2), dbSNP rs11809783, ClinGen allele CA684133.

ClinVar aggregate classification (germline): Benign. Review status: criteria provided, multiple submitters, no conflicts (2 of 4 stars). 2 submissions from 2 submitters: Benign (2). Last evaluated 2016-01-20.

Allele frequency attached by ClinVar (database versions not stated): gnomAD 0.01634; ESP Exome Variant Server 0.01676; TOPMed 0.01721; 1000 Genomes Project 0.01797; 1000 Genomes Project 30x 0.01921.
gnomAD v4.1: 4,972 of 1,613,864 alleles (0.31%); highest among the groups gnomAD compares: African/African-American, 5.4%; 117 homozygotes.

Submissions (2):

GeneDx
Classification: Benign. Last evaluated: 2016-01-20. Review status: criteria provided, single submitter. Criteria: GeneDx Variant Classification (06012015). Collection method: clinical testing. Allele origin: germline. Affected: yes.
Comment: This variant is considered likely benign or benign based on one or more of the following criteria: it is a conservative change, it occurs at a poorly conserved position in the protein, it is predicted to be benign by multiple in silico algorithms, and/or has population frequency not consistent with disease.

Breakthrough Genomics
Classification: Benign. Review status: criteria provided, single submitter. Criteria: ACMG Guidelines, 2015. Collection method: not provided. Allele origin: germline. Inheritance: Autosomal dominant inheritance. Affected: yes.